The following is an entry in ClinVar:

ClinVar aggregate classification (germline): Conflicting classifications of pathogenicity. Review status: criteria provided, conflicting classifications (1 of 4 stars). 8 submissions from 8 submitters: Uncertain significance (4); Likely benign (2). 2 of the submissions do not count toward it. Last evaluated 2024-11-05.

Conditions:
Polycystic kidney disease, adult type (PKD1). Also called: Polycystic Kidney Disease 1, Autosomal Dominant; Polycystic kidney disease 1; Polycystic kidney disease 1, severe; POLYCYSTIC KIDNEY DISEASE, ADULT, TYPE I; POLYCYSTIC KIDNEY DISEASE 1 WITH OR WITHOUT POLYCYSTIC LIVER DISEASE; Polycystic Kidney, Autosomal Dominant. Identifiers: MedGen C3149841, MONDO:0008263, OMIM 173900.
PKD1-related disorder. Also called: PKD1-related condition.

Allele frequency attached by ClinVar (database versions not stated): TOPMed 0.00006; ExAC 0.00020.
gnomAD v4.1: 197 of 1,566,074 alleles (0.013%); highest among the groups gnomAD compares: Middle Eastern, 0.18%; 1 homozygote.

Submissions (8):

Women's Health and Genetics/Laboratory Corporation of America, LabCorp
Classification: Uncertain significance. Last evaluated: 2024-11-05. Review status: criteria provided, single submitter. Criteria: LabCorp Variant Classification Summary - May 2015. Collection method: clinical testing. Allele origin: germline.
Comment: Variant summary: PKD1 c.9889G>A (p.Val3297Met) results in a conservative amino acid change in the encoded protein sequence. Three of five in-silico tools predict a damaging effect of the variant on protein function. The variant allele was found at a frequency of 0.00021 in 164868 control chromosomes. This frequency is not significantly higher than estimated for a pathogenic variant in PKD1 causing Polycystic Kidney Disease 1 (0.00021 vs 0.0005), allowing no conclusion about variant significance. However, this observation needs to be cautiously considered since sequence alignment analysis suggests that the variant lies within a region of the gene that has high homology with the PKD1 pseudogene. c.9889G>A has been reported "de novo" (without adequate parental testing) in the literature in at least 1 individual affected with Polycystic Kidney Disease 1 (example, Bullich_2017). These report(s) do not provide unequivocal conclusions about association of the variant with Polycystic Kidney Disease 1. To our knowledge, no experimental evidence demonstrating an impact on protein function has been reported. The following publications have been ascertained in the context of this evaluation (PMID: 26940125, 25333066, 33964006). ClinVar contains an entry for this variant (Variation ID: 805197). Based on the evidence outlined above, the variant was classified as uncertain significance.

Genomic Medicine Center of Excellence, King Faisal Specialist Hospital and Research Centre
Classification: Likely benign for Polycystic kidney disease, adult type. Last evaluated: 2024-03-29. Review status: criteria provided, single submitter. Criteria: ACMG Guidelines, 2015. Collection method: clinical testing. Allele origin: germline.

CeGaT Center for Human Genetics Tuebingen
Classification: Likely benign. Last evaluated: 2022-12-01. Review status: criteria provided, single submitter. Criteria: CeGaT Center For Human Genetics Tuebingen Variant Classification Criteria Version 2. Collection method: clinical testing. Allele origin: germline. Affected: yes. Observed: 1 variant allele.
Comment: PKD1: BP4

Revvity Omics, Revvity
Classification: Uncertain significance for Polycystic kidney disease, adult type. Last evaluated: 2020-06-09. Review status: criteria provided, single submitter. Criteria: ACMG Guidelines, 2015. Collection method: clinical testing. Allele origin: germline.

Athena Diagnostics
Classification: Uncertain significance. Last evaluated: 2019-02-14. Review status: criteria provided, single submitter. Criteria: Athena Diagnostics Criteria. Collection method: clinical testing. Allele origin: germline.

Breakthrough Genomics
Classification: Uncertain significance. Review status: criteria provided, single submitter. Criteria: ACMG Guidelines, 2015. Collection method: not provided. Allele origin: germline. Inheritance: Autosomal dominant inheritance. Affected: yes.

PreventionGenetics, part of Exact Sciences
Classification: Likely benign for PKD1-related condition. Last evaluated: 2022-09-06. Review status: no assertion criteria provided. Collection method: clinical testing. Allele origin: germline. Not counted in ClinVar's aggregate classification.
Comment: This variant is classified as likely benign based on ACMG/AMP sequence variant interpretation guidelines (Richards et al. 2015 PMID: 25741868, with internal and published modifications).

Department of Pathology and Laboratory Medicine, Sinai Health System
Classification: Uncertain significance. Review status: no assertion criteria provided. Collection method: clinical testing. Allele origin: unknown. Affected: yes. Study: The Canadian Open Genetics Repository (COGR). Not counted in ClinVar's aggregate classification.
Comment: The PKD1 p.Val3297Met variant was identified in 1 of 368 proband chromosomes (frequency: 0.0027) from individuals or families with cystic renal disease (Bullich G_2017_PMID:26940125). The variant was not identified in ClinVar, Clinvitae, LOVD 3.0, ADPKD Mutation Database or PKD1-LOVD. The variant was identified in dbSNP (ID: rs775497330) and in control databases in 37 of 196242 chromosomes at a frequency of 0.000189 (Genome Aggregation Database Feb 27, 2017). The variant was observed in the following populations: South Asian in 14 of 23462 chromosomes (freq: 0.000597), Other in 3 of 5678 chromosomes (freq: 0.000528), Ashkenazi Jewish in 2 of 8824 chromosomes (freq: 0.000227), Latino in 5 of 26280 chromosomes (freq: 0.00019), European (non-Finnish) in 11 of 80404 chromosomes (freq: 0.000137), African in 1 of 17262 chromosomes (freq: 0.000058) and European (Finnish) in 1 of 20564 chromosomes (freq: 0.000049), while the variant was not observed in the East Asian population. In addition we cannot be certain that data from control databases is specific to PKD1 and not from one of the six PKD1 pseudogenes. The variant occurs outside of the splicing consensus sequence and 3 of 4 in silico or computational prediction software programs (SpliceSiteFinder, MaxEntScan, GeneSplicer) do not predict a greater than 10% difference in splicing. The p.Val3297 residue is conserved in mammals and computational analyses (SIFT, AlignGVGD, BLOSUM, MutationTaster) provide inconsistent predictions regarding the impact to the protein; this information is not very predictive of pathogenicity. In summary, based on the above information the clinical significance of this variant cannot be determined with certainty at this time. This variant is classified as a variant of uncertain significance

Literature cited by the submitters: PubMed 33964006 (cited by Women's Health and Genetics/Laboratory Corporation of America, LabCorp); PubMed 26940125 (cited by Women's Health and Genetics/Laboratory Corporation of America, LabCorp and Athena Diagnostics); PubMed 25333066 (cited by Women's Health and Genetics/Laboratory Corporation of America, LabCorp and Athena Diagnostics).

NM_001009944.3(PKD1):c.9889G>A (p.Val3297Met)

Gene: PKD1 (polycystin 1, transient receptor potential channel interacting; minus strand). Cytogenetic location: 16p13.3.
Variant type: single nucleotide variant.
Coding change: c.9889G>A on transcript NM_001009944.3 (MANE Select); coding-DNA position 9889, G replaced by A.
Protein change: p.Val3297Met; replaces valine 3297 with methionine.
Molecular consequence: missense variant.
Genome position (GRCh38, 1-based): chr16:2,099,895, C>T on the plus strand (G>A on the coding strand, the complement: PKD1 is on the minus strand). VCF-style: chr16-2099895-C-T. GRCh37 (hg19) VCF-style: chr16-2149896-C-T.
Other names: c.9889G>A (NM_001009944.2); c.9889G>A, p.Val3297Met (NM_000296.4); short protein forms V3297M.
Identifiers: ClinVar variation 805197 (VCV000805197.33), dbSNP rs775497330, ClinGen allele CA7829897.